The following is an entry in ClinVar:

ClinVar aggregate classification (germline): Uncertain significance (1 of 4 stars; one submission).

Conditions:
Inborn genetic diseases. Identifiers: MedGen C0950123, MeSH D030342.

Submission:

Ambry Genetics
Classification: Uncertain significance for Inborn genetic diseases. Last evaluated: 2026-08-01. Review status: criteria provided, single submitter. Criteria: Ambry Variant Classification Scheme 2023. Collection method: clinical testing. Allele origin: germline.
Comment: The p.I263T variant (also known as c.788T>C), located in coding exon 8 of the DDX41 gene, results from a T to C substitution at nucleotide position 788. The isoleucine at codon 263 is replaced by threonine, an amino acid with similar properties. This amino acid position is conserved. In addition, the in silico prediction for this alteration is inconclusive. Based on the available evidence, the clinical significance of this variant remains unclear.

NM_016222.4(DDX41):c.788T>C (p.Ile263Thr)

Gene: DDX41 (DEAD-box helicase 41; minus strand). Cytogenetic location: 5q35.3.
Variant type: single nucleotide variant.
Coding change: c.788T>C on transcript NM_016222.4 (MANE Select); coding-DNA position 788, T replaced by C.
Protein change: p.Ile263Thr; replaces isoleucine 263 with threonine.
Molecular consequence: missense variant.
Genome position (GRCh38, 1-based): chr5:177,514,926, A>G on the plus strand (T>C on the coding strand, the complement: DDX41 is on the minus strand). VCF-style: chr5-177514926-A-G. GRCh37 (hg19) VCF-style: chr5-176941927-A-G.
Other names: c.410T>C, p.Ile137Thr (NM_001321732.2, NM_001321830.2); short protein forms I137T, I263T.
Identifiers: ClinVar variation 5035159 (VCV005035159.1).